The following is an entry in ClinVar:

NM_153603.4(COG7):c.109G>A (p.Ala37Thr)

Genes: COG7 (component of oligomeric golgi complex 7; minus strand), LOC130058658 (ATAC-STARR-seq lymphoblastoid active region 10580; plus strand). Cytogenetic location: 16p12.2.
Variant type: single nucleotide variant.
Coding change: c.109G>A on transcript NM_153603.4 (MANE Select); coding-DNA position 109, G replaced by A.
Protein change: p.Ala37Thr; replaces alanine 37 with threonine.
Molecular consequence: missense variant.
Genome position (GRCh38, 1-based): chr16:23,452,886, C>T on the plus strand (G>A on the coding strand, the complement: COG7 is on the minus strand). VCF-style: chr16-23452886-C-T. GRCh37 (hg19) VCF-style: chr16-23464207-C-T.
Other names: short protein forms A37T.
Identifiers: ClinVar variation 449289 (VCV000449289.6), dbSNP rs1327432623, ClinGen allele CA395118309.

ClinVar aggregate classification (germline): Uncertain significance. Review status: criteria provided, multiple submitters, no conflicts (2 of 4 stars). 4 submissions from 4 submitters: Uncertain significance (4). Last evaluated 2024-01-01.

Conditions:
Inborn genetic diseases. Identifiers: MedGen C0950123, MeSH D030342.
COG7 congenital disorder of glycosylation (CDG2E). Also called: CDG IIe; CONGENITAL DISORDER OF GLYCOSYLATION, TYPE IIe. Identifiers: Orphanet 79333, MedGen C2931010, MONDO:0012118, OMIM 608779.

Allele frequency attached by ClinVar (database versions not stated): gnomAD exomes below 0.00001; gnomAD 0.00001; TOPMed 0.00002.
gnomAD v4.1: 17 of 1,613,892 alleles (0.0011%); highest among the groups gnomAD compares: Middle Eastern, 0.066%; no homozygotes.

Submissions (4):

Daryl Scott Lab, Baylor College of Medicine
Classification: Uncertain significance for COG7 congenital disorder of glycosylation. Last evaluated: 2024-01-01. Review status: criteria provided, single submitter. Criteria: ACMG Guidelines, 2015. Collection method: clinical testing. Allele origin: biparental. Observed: 1 homozygote.
Comment: PM2, PP3

Ambry Genetics
Classification: Uncertain significance for Inborn genetic diseases. Last evaluated: 2023-05-08. Review status: criteria provided, single submitter. Criteria: Ambry Variant Classification Scheme 2023. Collection method: clinical testing. Allele origin: germline.

Baylor Genetics
Classification: Uncertain significance for COG7 congenital disorder of glycosylation. Last evaluated: 2020-01-16. Review status: criteria provided, single submitter. Criteria: ACMG Guidelines, 2015. Collection method: clinical testing. Allele origin: unknown. Affected: yes.
Comment: This variant was determined to be of uncertain significance according to ACMG Guidelines, 2015 [PMID:25741868].

GeneDx
Classification: Uncertain significance. Last evaluated: 2015-11-02. Review status: criteria provided, single submitter. Criteria: GeneDx Variant Classification (06012015). Collection method: clinical testing. Allele origin: germline. Affected: yes.
Comment: The A37T variant in the COG7 gene has not been reported previously as a pathogenic variant, nor as a benign variant, to our knowledge. The A37T variant was not observed in approximately 6500 individuals of European and African American ancestry in the NHLBI Exome Sequencing Project, indicating it is not a common benign variant in these populations. The A37T variant is a non-conservative amino acid substitution, which is likely to impact secondary protein structure as these residues differ in polarity, charge, size and/or other properties. This substitution occurs at a position that is conserved across species. However, in silico analysis is inconsistent in its predictions as to whether or not the variant is damaging to the protein structure/function. We interpret A37T as a variant of uncertain significance.